The following is an entry in ClinVar:

NM_020433.5(JPH2):c.62del (p.Gly21fs)

Gene: JPH2 (junctophilin 2; minus strand). Cytogenetic location: 20q13.12.
Variant type: Deletion.
Coding change: c.62del on transcript NM_020433.5 (MANE Select); coding-DNA position 62, one base deleted (G; older notation c.62delG).
Protein change: p.Gly21fs; shifts the reading frame from glycine 21.
Molecular consequence: frameshift variant.
Genome position (GRCh38, 1-based): chr20:44,186,644, C deleted on the plus strand (G on the coding strand, the reverse complement: JPH2 is on the minus strand); the first of 6 consecutive C bases (chr20:44,186,644-44,186,649); deleting any one gives the same sequence. VCF-style (leftmost placement, unchanged base first): chr20-44186643-TC-T. GRCh37 (hg19) VCF-style: chr20-42815283-TC-T.
Other names: c.62delG (NM_020433.4); c.62del, p.Gly21fs (NM_175913.4); short protein forms G21fs.
Identifiers: ClinVar variation 3227390 (VCV003227390.2), dbSNP rs1206579645, ClinGen allele CA645616005.

ClinVar aggregate classification (germline): Uncertain significance (1 of 4 stars; one submission).

Conditions:
Cardiovascular phenotype. Identifiers: MedGen CN230736.

Submission:

Ambry Genetics
Classification: Uncertain significance for Cardiovascular phenotype. Last evaluated: 2025-06-25. Review status: criteria provided, single submitter. Criteria: Ambry Variant Classification Scheme 2023. Collection method: clinical testing. Allele origin: germline.
Comment: The c.62delG variant, located in coding exon 1 of the JPH2 gene, results from a deletion of one nucleotide at nucleotide position 62, causing a translational frameshift with a predicted alternate stop codon (p.G21Efs*54). This alteration is expected to result in loss of function by premature protein truncation or nonsense-mediated mRNA decay. Although biallelic loss of function alterations in JPH2 have been associated with autosomal recessive JPH2-related dilated cardiomyopathy, haploinsufficiency for JPH2 has not been clearly established as a mechanism of disease for autosomal dominant JPH2-related hypertrophic cardiomyopathy. Based on the supporting evidence, this variant is expected to be causative of autosomal recessive JPH2-related dilated cardiomyopathy when present along with a second pathogenic variant on the other allele; however, its clinical significance for autosomal dominant JPH2-related hypertrophic cardiomyopathy is unclear.